The following is an entry in ClinVar:

ClinVar aggregate classification (germline): Likely benign. Review status: criteria provided, multiple submitters, no conflicts (2 of 4 stars). 2 submissions from 2 submitters: Likely benign (2). Last evaluated 2023-12-13.

Conditions:
Malignant hyperthermia, susceptibility to, 1 (MHS1). Also called: Anesthesia related hyperthermia; Malignant hyperpyrexia; Fulminating hyperpyrexia; Pharmacogenic myopathy; RYR1-Related Malignant Hyperthermia Susceptibility; Malignant hyperthermia suceptibility 1. Identifiers: Orphanet 423, MedGen C2930980, MONDO:0007783, OMIM 145600.

Submissions (2):

All of Us Research Program, National Institutes of Health
Classification: Likely benign for Malignant hyperthermia, susceptibility to, 1. Last evaluated: 2023-12-13. Review status: criteria provided, single submitter. Criteria: ACMG Guidelines, 2015. Collection method: clinical testing. Allele origin: germline. Inheritance: Autosomal dominant inheritance. Observed: 1 variant allele, 1 heterozygote.
Comment: This study involves interpretation of variants in research participants for the purpose of population health screening. Participant phenotype was not available at the time of variant classification. Additional details can be found in publication PMID: 35346344, PMCID: PMC8962531

Color Diagnostics, LLC DBA Color Health
Classification: Likely benign for Malignant hyperthermia, susceptibility to, 1. Last evaluated: 2023-11-08. Review status: criteria provided, single submitter. Criteria: ACMG Guidelines, 2015. Collection method: clinical testing. Allele origin: germline.

NM_000540.3(RYR1):c.1731C>A (p.Ile577=)

Gene: RYR1 (ryanodine receptor 1; plus strand). Cytogenetic location: 19q13.2.
Variant type: single nucleotide variant.
Coding change: c.1731C>A on transcript NM_000540.3 (MANE Select); coding-DNA position 1731, C replaced by A.
Protein change: p.Ile577=; no amino-acid change (isoleucine 577 retained).
Molecular consequence: synonymous variant.
Genome position (GRCh38, 1-based): chr19:38,455,691, C>A. VCF-style: chr19-38455691-C-A. GRCh37 (hg19) VCF-style: chr19-38946331-C-A.
Other names: c.1731C>A, p.Ile577= (NM_001042723.2).
Identifiers: ClinVar variation 3074861 (VCV003074861.2), dbSNP rs2514028050, ClinGen allele CA507243065.